The following is an entry in ClinVar:

ClinVar aggregate classification (germline): Uncertain significance (1 of 4 stars; one submission).

Conditions:
Hereditary cancer-predisposing syndrome. Also called: Neoplastic Syndromes, Hereditary; Tumor predisposition; Hereditary neoplastic syndrome; Hereditary Cancer Syndrome. Identifiers: Orphanet 140162, MedGen C0027672, MeSH D009386, MONDO:0015356.

Submission:

Ambry Genetics
Classification: Uncertain significance for Hereditary cancer-predisposing syndrome. Last evaluated: 2026-07-06. Review status: criteria provided, single submitter. Criteria: Ambry Variant Classification Scheme 2023. Collection method: clinical testing. Allele origin: germline.
Comment: The p.T1094S variant (also known as c.3280A>T), located in coding exon 21 of the PTCH1 gene, results from an A to T substitution at nucleotide position 3280. The threonine at codon 1094 is replaced by serine, an amino acid with similar properties. This amino acid position is conserved. In addition, this alteration is predicted to be deleterious by in silico analysis. Based on the available evidence, the clinical significance of this variant remains unclear.

NM_000264.5(PTCH1):c.3478A>T (p.Thr1160Ser)

Gene: PTCH1 (patched 1; minus strand). Cytogenetic location: 9q22.32.
Variant type: single nucleotide variant.
Coding change: c.3478A>T on transcript NM_000264.5 (MANE Select); coding-DNA position 3478, A replaced by T.
Protein change: p.Thr1160Ser; replaces threonine 1160 with serine.
Molecular consequence: missense variant. On other transcripts: non-coding transcript variant (1).
Genome position (GRCh38, 1-based): chr9:95,449,912, T>A on the plus strand (A>T on the coding strand, the complement: PTCH1 is on the minus strand). VCF-style: chr9-95449912-T-A. GRCh37 (hg19) VCF-style: chr9-98212194-T-A.
Other names: c.3280A>T, p.Thr1094Ser (NM_001083602.3); c.3475A>T, p.Thr1159Ser (NM_001083603.3); c.3025A>T, p.Thr1009Ser (NM_001083604.3, NM_001083605.3, NM_001083606.3 and 1 more transcripts); c.3322A>T, p.Thr1108Ser (NM_001354918.2); short protein forms T1009S, T1094S, T1108S, T1159S, T1160S.
Identifiers: ClinVar variation 5027477 (VCV005027477.1).